The following is an entry in ClinVar:

ClinVar aggregate classification (germline): Conflicting classifications of pathogenicity. Review status: criteria provided, conflicting classifications (1 of 4 stars). 7 submissions from 7 submitters: Uncertain significance (1); Benign (3); Likely benign (3). Last evaluated 2026-03-01.

Conditions:
Inborn genetic diseases. Identifiers: MedGen C0950123, MeSH D030342.
Collagen 6-related myopathy. Identifiers: MedGen CN117976, MONDO:0100225.
Bethlem myopathy 1A. Also called: Bethlem myopathy 1; MYOPATHY, BENIGN CONGENITAL, WITH CONTRACTURES; Bethlem Muscular Dystrophy. Identifiers: Orphanet 610, MedGen CN029274, MONDO:0024530, OMIM 158810.

Allele frequency attached by ClinVar (database versions not stated): 1000 Genomes Project 30x 0.00078; 1000 Genomes Project 0.00080; TOPMed 0.00136; ESP Exome Variant Server 0.00162; gnomAD 0.00197 and 0.00200; gnomAD exomes 0.00205 and 0.00243; ExAC 0.00567.
gnomAD v4.1: 3,247 of 1,600,934 alleles (0.2%); highest among the groups gnomAD compares: Non-Finnish European, 0.23%; 8 homozygotes.

Submissions (7):

CeGaT Center for Human Genetics Tuebingen
Classification: Likely benign. Last evaluated: 2026-03-01. Review status: criteria provided, single submitter. Criteria: CeGaT Center For Human Genetics Tuebingen Variant Classification Criteria Version 2. Collection method: clinical testing. Allele origin: germline. Affected: yes. Observed: 5 variant alleles.
Comment: COL6A1: BS1

Labcorp Genetics (formerly Invitae), Labcorp
Classification: Benign for Bethlem myopathy 1A. Last evaluated: 2026-02-01. Review status: criteria provided, single submitter. Criteria: Invitae Variant Classification Sherloc (09022015). Collection method: clinical testing. Allele origin: germline.

Blueprint Genetics
Classification: Likely benign. Last evaluated: 2024-11-23. Review status: criteria provided, single submitter. Criteria: ACMG Guidelines, 2015. Collection method: clinical testing. Allele origin: germline.

GeneDx
Classification: Likely benign. Last evaluated: 2020-10-19. Review status: criteria provided, single submitter. Criteria: GeneDx Variant Classification Process June 2021. Collection method: clinical testing. Allele origin: germline. Affected: yes.
Comment: This variant is associated with the following publications: (PMID: 17886299, 29764467)

Illumina Laboratory Services, Illumina
Classification: Benign for Collagen VI-related myopathy. Last evaluated: 2018-01-13. Review status: criteria provided, single submitter. Criteria: ICSL Variant Classification Criteria 13 December 2019. Collection method: clinical testing. Allele origin: germline.
Comment: This variant was observed in the ICSL laboratory as part of a predisposition screen in an ostensibly healthy population. It had not been previously curated by ICSL or reported in the Human Gene Mutation Database (HGMD: prior to June 1st, 2018), and was therefore a candidate for classification through an automated scoring system. Utilizing variant allele frequency, disease prevalence and penetrance estimates, and inheritance mode, an automated score was calculated to assess if this variant is too frequent to cause the disease. Based on the score and internal cut-off values, a variant classified as benign is not then subjected to further curation. The score for this variant resulted in a classification of benign for this disease.

Eurofins Ntd Llc (ga)
Classification: Benign. Last evaluated: 2015-09-15. Review status: criteria provided, single submitter. Criteria: EGL Classification Definitions 2015. Collection method: clinical testing. Allele origin: germline. Observed: 6 variant alleles, 6 heterozygotes.

Ambry Genetics
Classification: Uncertain significance for Inborn genetic diseases. Last evaluated: 2015-03-12. Review status: criteria provided, single submitter. Criteria: Ambry exome assertion method (8-5-2015). Collection method: clinical testing. Allele origin: germline. Affected: yes. Observed: 1 variant allele.

NM_001848.3(COL6A1):c.1298G>A (p.Arg433Gln)

Gene: COL6A1 (collagen type VI alpha 1 chain; plus strand). Cytogenetic location: 21q22.3.
Variant type: single nucleotide variant.
Coding change: c.1298G>A on transcript NM_001848.3 (MANE Select); coding-DNA position 1298, G replaced by A.
Protein change: p.Arg433Gln; replaces arginine 433 with glutamine.
Molecular consequence: missense variant.
Genome position (GRCh38, 1-based): chr21:45,992,773, G>A. VCF-style: chr21-45992773-G-A. GRCh37 (hg19) VCF-style: chr21-47412687-G-A.
Other names: short protein forms R433Q.
Identifiers: ClinVar variation 281119 (VCV000281119.64), dbSNP rs151158105, ClinGen allele CA10070229.